The following is an entry in ClinVar:

NM_001267550.2(TTN):c.25856A>G (p.Asp8619Gly)

Gene: TTN (titin; minus strand). Cytogenetic location: 2q31.2.
Variant type: single nucleotide variant.
Coding change: c.25856A>G on transcript NM_001267550.2 (MANE Select); coding-DNA position 25856, A replaced by G.
Protein change: p.Asp8619Gly; replaces aspartic acid 8619 with glycine.
Molecular consequence: missense variant. On other transcripts: intron variant (3).
Genome position (GRCh38, 1-based): chr2:178,715,558, T>C on the plus strand (A>G on the coding strand, the complement: TTN is on the minus strand). VCF-style: chr2-178715558-T-C. GRCh37 (hg19) VCF-style: chr2-179580285-T-C.
Other names: c.24905A>G, p.Asp8302Gly (NM_001256850.1); c.22124A>G, p.Asp7375Gly (NM_133378.4); c.13282+22524A>G (NM_003319.4); c.13858+22524A>G (NM_133437.4); c.13657+22524A>G (NM_133432.3); short protein forms D7375G, D8302G, D8619G.
Identifiers: ClinVar variation 1710771 (VCV001710771.4), dbSNP rs2077359221, ClinGen allele CA349478261.

ClinVar aggregate classification (germline): Uncertain significance. Review status: criteria provided, multiple submitters, no conflicts (2 of 4 stars). 2 submissions from 2 submitters: Uncertain significance (2). Last evaluated 2022-04-15.

Allele frequency attached by ClinVar (database versions not stated): gnomAD exomes below 0.00001.
gnomAD v4.1: 6 of 1,613,484 alleles (0.00037%); highest among the groups gnomAD compares: Middle Eastern, 0.033%; no homozygotes.

Submissions (2):

GeneDx
Classification: Uncertain significance. Last evaluated: 2022-04-15. Review status: criteria provided, single submitter. Criteria: GeneDx Variant Classification Process June 2021. Collection method: clinical testing. Allele origin: germline. Affected: yes.
Comment: Not observed at significant frequency in large population cohorts (gnomAD); Missense variant in a gene in which most reported pathogenic variants are truncating/loss of function; Has not been previously published as pathogenic or benign to our knowledge

Revvity Omics, Revvity
Classification: Uncertain significance. Last evaluated: 2019-09-03. Review status: criteria provided, single submitter. Criteria: ACMG Guidelines, 2015. Collection method: clinical testing. Allele origin: germline.